The following is an entry in ClinVar:

ClinVar aggregate classification (germline): Uncertain significance (1 of 4 stars; one submission).

Conditions:
Aicardi-Goutieres syndrome 7 (AGS7). Identifiers: Orphanet 51, MedGen C3888244, MONDO:0014367, OMIM 615846.
Singleton-Merten syndrome 1 (SGMRT1). Also called: Widened medullary cavities of bone, aortic calcification, abnormal dentition, and muscular weakness; Syndrome of widened medullary cavities of the metacarpals and phalanges, aortic calcification and abnormal dentition. Identifiers: Orphanet 85191, MedGen C4225427, MONDO:0024535, OMIM 182250.

Allele frequency attached by ClinVar (database versions not stated): TOPMed below 0.00001; gnomAD exomes below 0.00001.
gnomAD v4.1: 7 of 1,612,560 alleles (0.00043%); highest among the groups gnomAD compares: Admixed American, 0.0033%; no homozygotes.

Submission:

Labcorp Genetics (formerly Invitae), Labcorp
Classification: Uncertain significance for Aicardi-Goutieres syndrome 7; Singleton-Merten syndrome 1. Last evaluated: 2025-09-16. Review status: criteria provided, single submitter. Criteria: Invitae Variant Classification Sherloc (09022015). Collection method: clinical testing. Allele origin: germline.
Comment: This sequence change replaces asparagine, which is neutral and polar, with aspartic acid, which is acidic and polar, at codon 469 of the IFIH1 protein (p.Asn469Asp). This variant is present in population databases (no rsID available, gnomAD 0.006%). This variant has not been reported in the literature in individuals affected with IFIH1-related conditions. ClinVar contains an entry for this variant (Variation ID: 2945961). Invitae Evidence Modeling of protein sequence and biophysical properties (such as structural, functional, and spatial information, amino acid conservation, physicochemical variation, residue mobility, and thermodynamic stability) has been performed for this missense variant. However, the output from this modeling did not meet the statistical confidence thresholds required to predict the impact of this variant on IFIH1 protein function. In summary, the available evidence is currently insufficient to determine the role of this variant in disease. Therefore, it has been classified as a Variant of Uncertain Significance.

NM_022168.4(IFIH1):c.1405A>G (p.Asn469Asp)

Gene: IFIH1 (interferon induced with helicase C domain 1; minus strand). Cytogenetic location: 2q24.2.
Variant type: single nucleotide variant.
Coding change: c.1405A>G on transcript NM_022168.4 (MANE Select); coding-DNA position 1405, A replaced by G.
Protein change: p.Asn469Asp; replaces asparagine 469 with aspartic acid.
Molecular consequence: missense variant.
Genome position (GRCh38, 1-based): chr2:162,281,447, T>C on the plus strand (A>G on the coding strand, the complement: IFIH1 is on the minus strand). VCF-style: chr2-162281447-T-C. GRCh37 (hg19) VCF-style: chr2-163137957-T-C.
Other names: short protein forms N469D.
Identifiers: ClinVar variation 2945961 (VCV002945961.3), dbSNP rs1253953605, ClinGen allele CA349002377.